The following is an entry in ClinVar:

NM_000051.4(ATM):c.8011-10C>G

Genes: ATM (ATM serine/threonine kinase; plus strand), C11orf65 (chromosome 11 open reading frame 65; minus strand). Cytogenetic location: 11q22.3.
Variant type: single nucleotide variant.
Coding change: c.8011-10C>G on transcript NM_000051.4 (MANE Select); 10 bases into the intron before coding-DNA position 8011, C replaced by G.
Molecular consequence: intron variant.
Genome position (GRCh38, 1-based): chr11:108,334,959, C>G. VCF-style: chr11-108334959-C-G. GRCh37 (hg19) VCF-style: chr11-108205686-C-G.
Other names: c.8011-10C>G (NM_001351834.2); c.641-25888G>C (NM_001330368.2); c.*38+261G>C (NM_001351110.2).
Identifiers: ClinVar variation 453715 (VCV000453715.8), dbSNP rs1555127008, ClinGen allele CA658656204.

ClinVar aggregate classification (germline): Uncertain significance. Review status: criteria provided, multiple submitters, no conflicts (2 of 4 stars). 3 submissions from 3 submitters: Uncertain significance (2). 1 of the submissions does not count toward it. Last evaluated 2023-02-14.

Conditions:
Familial cancer of breast. Also called: Hereditary breast cancer; BREAST CANCER, FAMILIAL; hereditary breast carcinoma. Identifiers: Orphanet 227535, MedGen C0346153, MONDO:0016419, OMIM 114480. Disease mechanism: loss of function.
Ataxia-telangiectasia syndrome (AT). Also called: LOUIS-BAR SYNDROME; Cerebello-oculocutaneous telangiectasia; Immunodeficiency with ataxia telangiectasia; Ataxia-telangiectasia, complementation group D; AT, COMPLEMENTATION GROUP C; Ataxia-telangiectasia, complementation group E. Identifiers: Orphanet 100, MedGen C0004135, MONDO:0008840, OMIM 208900.

gnomAD v4.1: 3 of 1,610,398 alleles (0.00019%); highest among the groups gnomAD compares: Non-Finnish European, 0.00025%; no homozygotes.

Submissions (3):

Department of Pathology and Laboratory Medicine, Sinai Health System
Classification: Uncertain significance for Familial cancer of breast. Last evaluated: 2023-02-14. Review status: criteria provided, single submitter. Criteria: ACMG Guidelines, 2015. Collection method: clinical testing. Allele origin: germline. Affected: yes.

Labcorp Genetics (formerly Invitae), Labcorp
Classification: Uncertain significance for Ataxia-telangiectasia syndrome. Last evaluated: 2021-08-27. Review status: criteria provided, single submitter. Criteria: Invitae Variant Classification Sherloc (09022015). Collection method: clinical testing. Allele origin: germline.
Comment: This sequence change falls in intron 54 of the ATM gene. It does not directly change the encoded amino acid sequence of the ATM protein. This variant is not present in population databases (ExAC no frequency). This variant has not been reported in the literature in individuals affected with ATM-related conditions. Algorithms developed to predict the effect of sequence changes on RNA splicing suggest that this variant may disrupt the consensus splice site. In summary, the available evidence is currently insufficient to determine the role of this variant in disease. Therefore, it has been classified as a Variant of Uncertain Significance.

Natera, Inc.
Classification: Uncertain significance for Ataxia-telangiectasia. Last evaluated: 2025-01-19. Review status: no assertion criteria provided. Collection method: clinical testing. Allele origin: germline. Not counted in ClinVar's aggregate classification.